The following is an entry in ClinVar:

ClinVar aggregate classification (germline): Pathogenic/Likely pathogenic. Review status: criteria provided, multiple submitters, no conflicts (2 of 4 stars). 4 submissions from 4 submitters: Pathogenic (2); Likely pathogenic (2). Last evaluated 2025-09-23.

Conditions:
TSC2-related disorder. Also called: TSC2-related condition; TSC2-Related Disorders.
Tuberous sclerosis 2 (TSC2). Identifiers: Orphanet 805, MedGen C1860707, MONDO:0013199, OMIM 613254.
Hereditary cancer-predisposing syndrome. Also called: Tumor predisposition; Neoplastic Syndromes, Hereditary; Hereditary neoplastic syndrome; Hereditary Cancer Syndrome. Identifiers: Orphanet 140162, MedGen C0027672, MeSH D009386, MONDO:0015356.

Submissions (4):

Ambry Genetics
Classification: Likely pathogenic for Hereditary cancer-predisposing syndrome. Last evaluated: 2025-09-23. Review status: criteria provided, single submitter. Criteria: Ambry Variant Classification Scheme 2023. Collection method: clinical testing. Allele origin: germline.
Comment: The c.2356-1G>T intronic variant results from a G to T substitution one nucleotide upstream from coding exon 21 of the TSC2 gene. Alterations that disrupt the canonical splice site are expected to cause aberrant splicing. This variant has been reported as mosaic in an individual with features consistent with tuberous sclerosis complex (Klonowska K et al. Am J Hum Genet, 2023 Jun;110:979-988). In addition, this variant was reported in individuals with features consistent with tuberous sclerosis complex (Ambry internal data). In silico splice site analysis predicts that this alteration will weaken the native splice acceptor site and may result in the creation or strengthening of a novel splice acceptor site. A resulting transcript is predicted to be in-frame and is not expected to trigger nonsense-mediated mRNAdecay; although, direct evidence is unavailable. This nucleotide position is highly conserved in available vertebrate species. Based on the majority of available evidence to date, this variant is likely to be pathogenic.

Labcorp Genetics (formerly Invitae), Labcorp
Classification: Pathogenic for Tuberous sclerosis 2. Last evaluated: 2023-01-30. Review status: criteria provided, single submitter. Criteria: Invitae Variant Classification Sherloc (09022015). Collection method: clinical testing. Allele origin: germline.
Comment: This sequence change affects an acceptor splice site in intron 21 of the TSC2 gene. It is expected to disrupt RNA splicing. Variants that disrupt the donor or acceptor splice site typically lead to a loss of protein function (PMID: 16199547), and loss-of-function variants in TSC2 are known to be pathogenic (PMID: 10205261, 17304050). This variant is not present in population databases (gnomAD no frequency). Disruption of this splice site has been observed in individuals with tuberous sclerosis complex (PMID: 10330349, 10942116; Invitae). ClinVar contains an entry for this variant (Variation ID: 805696). Algorithms developed to predict the effect of sequence changes on RNA splicing suggest that this variant may disrupt the consensus splice site. For these reasons, this variant has been classified as Pathogenic.

Blueprint Genetics
Classification: Likely pathogenic for TSC2-related disorders. Last evaluated: 2020-08-10. Review status: criteria provided, single submitter. Criteria: ACMG Guidelines, 2015. Collection method: clinical testing. Allele origin: germline. Affected: yes. Observed: 1 variant allele.

Athena Diagnostics
Classification: Pathogenic. Last evaluated: 2019-07-30. Review status: criteria provided, single submitter. Criteria: Athena Diagnostics Criteria. Collection method: clinical testing. Allele origin: germline.
Comment: The variant disrupts a canonical splice site, and is therefore predicted to result in the loss of a functional protein. Found in at least one symptomatic patient, and not found in general population data. 2 de novo cases without parental identity confirmed.

Literature cited by the submitters: PubMed 37141891 (cited by Ambry Genetics); PubMed 16199547 (cited by Labcorp Genetics (formerly Invitae), Labcorp); PubMed 10205261 (cited by Labcorp Genetics (formerly Invitae), Labcorp); PubMed 17304050 (cited by Labcorp Genetics (formerly Invitae), Labcorp); PubMed 10330349 (cited by Labcorp Genetics (formerly Invitae), Labcorp); PubMed 10942116 (cited by Labcorp Genetics (formerly Invitae), Labcorp).

NM_000548.5(TSC2):c.2356-1G>T

Gene: TSC2 (TSC complex subunit 2; plus strand). Cytogenetic location: 16p13.3.
Variant type: single nucleotide variant.
Coding change: c.2356-1G>T on transcript NM_000548.5 (MANE Select); the canonical splice acceptor site of the intron before coding-DNA position 2356, G replaced by T.
Molecular consequence: splice acceptor variant.
Genome position (GRCh38, 1-based): chr16:2,074,199, G>T. VCF-style: chr16-2074199-G-T. GRCh37 (hg19) VCF-style: chr16-2124200-G-T.
Other names: c.1012-1G>T (NM_001406693.1, NM_001406689.1, NM_001406690.1 and 6 more transcripts); c.2446-1G>T (NM_001406667.1, NM_001406668.1); c.1756-1G>T (NM_001406680.1, NM_001406683.1, NM_001406687.1 and 6 more transcripts); c.754-1G>T (NM_001406698.1); c.2356-1G>T (NM_001114382.3, NM_001406663.1, NM_001406664.1 and 6 more transcripts); c.2344-1G>T (NM_001406671.1, NM_001406673.1); c.1894-1G>T (NM_001406681.1); c.2245-1G>T (NM_001406670.1, NM_001318827.2, NM_001406678.1); and 3 more.
Identifiers: ClinVar variation 805696 (VCV000805696.6), dbSNP rs45481704, ClinGen allele CA394276920.
Genomic context (GRCh38, chr16:2,074,199, plus strand): 5'-GGGTAGGCGAGGCTGCCTCTGCTGCAAGCGGGTGGGGCCTGAGGTGTCCTGTCTCCTGCA[G>T]CGCGAGATGGTCTACTGCCTGGAGCAGGGCCTCATCCACCGCTGTGCCAGCCAGTGCGTC-3'